The following is an entry in ClinVar:

ClinVar aggregate classification (germline): Likely benign. Review status: criteria provided, multiple submitters, no conflicts (2 of 4 stars). 5 submissions from 5 submitters: Likely benign (5). Last evaluated 2026-01-28.

Conditions:
SLC4A1-related disorder. Also called: SLC4A1-related disorders; SLC4A1-related condition.

Allele frequency attached by ClinVar (database versions not stated): 1000 Genomes Project 30x 0.00016; 1000 Genomes Project 0.00020; ESP Exome Variant Server 0.00023; gnomAD 0.00029; TOPMed 0.00032.
gnomAD v4.1: 121 of 1,613,888 alleles (0.0075%); highest among the groups gnomAD compares: African/African-American, 0.1%; no homozygotes.

Submissions (5):

Labcorp Genetics (formerly Invitae), Labcorp
Classification: Likely benign. Last evaluated: 2026-01-28. Review status: criteria provided, single submitter. Criteria: Invitae Variant Classification Sherloc (09022015). Collection method: clinical testing. Allele origin: germline.

Mayo Clinic Laboratories, Mayo Clinic
Classification: Likely benign. Last evaluated: 2025-10-10. Review status: criteria provided, single submitter. Criteria: ACMG Guidelines, 2015. Collection method: clinical testing. Allele origin: germline. Observed: 2 variant alleles.
Comment: BP4, BP7

PreventionGenetics, part of Exact Sciences
Classification: Likely benign for SLC4A1-related condition. Last evaluated: 2025-05-08. Review status: criteria provided, single submitter. Criteria: ACMG Guidelines, 2015. Collection method: clinical testing. Allele origin: germline.
Comment: This variant is classified as likely benign based on ACMG/AMP sequence variant interpretation guidelines (Richards et al. 2015 PMID: 25741868, with internal and published modifications).

ARUP Laboratories, Molecular Genetics and Genomics, ARUP Laboratories
Classification: Likely benign. Last evaluated: 2025-01-10. Review status: criteria provided, single submitter. Criteria: ARUP Molecular Germline Variant Investigation Process 2024. Collection method: clinical testing. Allele origin: germline.

Blueprint Genetics
Classification: Likely benign. Last evaluated: 2023-10-05. Review status: criteria provided, single submitter. Criteria: ACMG Guidelines, 2015. Collection method: clinical testing. Allele origin: germline.

NM_000342.4(SLC4A1):c.1899G>A (p.Ser633=)

Gene: SLC4A1 (solute carrier family 4 member 1 (Diego blood group); minus strand). Cytogenetic location: 17q21.31.
Variant type: single nucleotide variant.
Coding change: c.1899G>A on transcript NM_000342.4 (MANE Select); coding-DNA position 1899, G replaced by A.
Protein change: p.Ser633=; no amino-acid change (serine 633 retained).
Molecular consequence: synonymous variant.
Genome position (GRCh38, 1-based): chr17:44,254,654, C>T on the plus strand (G>A on the coding strand, the complement: SLC4A1 is on the minus strand). VCF-style: chr17-44254654-C-T. GRCh37 (hg19) VCF-style: chr17-42332022-C-T.
Other names: p.Ser633=; c.1899G>A (NM_000342.3).
Identifiers: ClinVar variation 2061066 (VCV002061066.9), dbSNP rs148412733, ClinGen allele CA8600167.